The following is an entry in ClinVar:

NM_000135.4(FANCA):c.4225C>T (p.Arg1409Trp)

Genes: ZNF276 (zinc finger protein 276; plus strand), FANCA (FA complementation group A; minus strand). Cytogenetic location: 16q24.3.
Variant type: single nucleotide variant.
Coding change: c.4225C>T on transcript NM_000135.4 (MANE Select); coding-DNA position 4225, C replaced by T.
Protein change: p.Arg1409Trp; replaces arginine 1409 with tryptophan.
Molecular consequence: missense variant. On other transcripts: 3 prime UTR variant (2), non-coding transcript variant (4).
Genome position (GRCh38, 1-based): chr16:89,738,917, G>A on the plus strand (C>T on the coding strand, the complement: FANCA is on the minus strand). VCF-style: chr16-89738917-G-A. GRCh37 (hg19) VCF-style: chr16-89805325-G-A.
Other names: c.4229C>T, p.Ser1410Leu (NM_001286167.3); c.*671G>A (NM_001113525.2, NM_152287.4); short protein forms R1409W, S1410L.
Identifiers: ClinVar variation 408170 (VCV000408170.16), dbSNP rs139478274, ClinGen allele CA8250683.

ClinVar aggregate classification (germline): Conflicting classifications of pathogenicity. Review status: criteria provided, conflicting classifications (1 of 4 stars). 5 submissions from 5 submitters: Uncertain significance (2); Likely benign (1). 2 of the submissions do not count toward it. Last evaluated 2026-01-12.

Conditions:
Fanconi anemia (FA). Also called: Fanconi's anemia. Identifiers: Orphanet 84, MedGen C0015625, MeSH D005199, MONDO:0019391.
Fanconi anemia complementation group A (FANCA). Also called: FANCA-Related Fanconi Anemia; Fanconi anemia, group A. Identifiers: Orphanet 84, MedGen C3469521, MONDO:0009215, OMIM 227650.
Microcephaly. Also called: Microcephaly (disease). Identifiers: MedGen C4551563, MONDO:0001149, HP:0000252.

Allele frequency attached by ClinVar (database versions not stated): ESP Exome Variant Server 0.00008; TOPMed 0.00008; gnomAD 0.00009 and 0.00010; gnomAD exomes 0.00009 and 0.00018; 1000 Genomes Project 0.00020; ExAC 0.00020; 1000 Genomes Project 30x 0.00031.
gnomAD v4.1: 147 of 1,614,258 alleles (0.0091%); highest among the groups gnomAD compares: East Asian, 0.06%; no homozygotes.

Submissions (5):

Labcorp Genetics (formerly Invitae), Labcorp
Classification: Likely benign for Fanconi anemia. Last evaluated: 2026-01-12. Review status: criteria provided, single submitter. Criteria: Invitae Variant Classification Sherloc (09022015). Collection method: clinical testing. Allele origin: germline.

Sema4
Classification: Uncertain significance for Fanconi anemia. Last evaluated: 2021-05-18. Review status: criteria provided, single submitter. Criteria: Sema4 Curation Guidelines. Collection method: curation. Allele origin: germline.
Comment: The FANCA c.4225C>T (p.R1409W) variant has been reported in at least 2 individuals with stomach adenocarcinoma (PMID: 26689913). This variant was observed in 51/282882 chromosomes, with no homozygotes, from large and broad populations by the Genome Aggregation Database (PMID: 32461654). This variant has been reported in ClinVar (Variation ID: 408170). Computational analyses and evolutionary conservation data do not provide strong support for or against an impact to the protein, though these predictions have not been confirmed by published functional studies. The overall evidence is insufficient to meet ACMG/AMP criteria for classifying it as benign or pathogenic. In summary, the clinical significance of this variant is currently uncertain.

Fulgent Genetics
Classification: Uncertain significance for Fanconi anemia complementation group A. Last evaluated: 2018-10-31. Review status: criteria provided, single submitter. Criteria: ACMG Guidelines, 2015. Collection method: clinical testing. Allele origin: unknown.

Natera, Inc.
Classification: Uncertain significance for Fanconi anemia, group A. Last evaluated: 2020-09-16. Review status: no assertion criteria provided. Collection method: clinical testing. Allele origin: germline. Not counted in ClinVar's aggregate classification.

Department of Pediatrics, Samsung Medical Center, Samsung Medical Center
Classification: Uncertain significance for Microcephaly. Review status: no assertion criteria provided. Criteria: ACMG Guidelines, 2015. Collection method: research. Allele origin: germline. Affected: yes. Not counted in ClinVar's aggregate classification.

Literature cited by the submitters: PubMed 26689913 (cited by Sema4).